The following is an entry in ClinVar:

ClinVar aggregate classification (germline): Pathogenic/Likely pathogenic. Review status: criteria provided, multiple submitters, no conflicts (2 of 4 stars). 3 submissions from 2 submitters: Pathogenic (1); Likely pathogenic (1). 1 of the submissions does not count toward it. Last evaluated 2024-08-05.

Conditions:
Seizure. Also called: Seizures. Identifiers: MedGen C0036572, HP:0001250.
Early-infantile DEE. Also called: Early infantile epileptic encephalopathy; Early infantile epileptic encephalopathy with suppression bursts; Ohtahara syndrome. Identifiers: Orphanet 1934, MedGen C0393706, MONDO:0800491.
Seizures, benign familial neonatal, 1. Also called: Benign Neonatal Epilepsy 1; KCNQ2-Related Self-Limited Familial Neonatal Epilepsy (SLFNE); Seizures, benign neonatal, 1; KCNQ2-Related Benign Familial Neonatal Epilepsy. Identifiers: Orphanet 1949, MedGen C3149074, MONDO:0007365, OMIM 121200.

Submissions (3):

Labcorp Genetics (formerly Invitae), Labcorp
Classification: Pathogenic for Early-infantile DEE. Last evaluated: 2024-08-05. Review status: criteria provided, single submitter. Criteria: Invitae Variant Classification Sherloc (09022015). Collection method: clinical testing. Allele origin: germline.
Comment: This sequence change replaces methionine, which is neutral and non-polar, with isoleucine, which is neutral and non-polar, at codon 546 of the KCNQ2 protein (p.Met546Ile). This variant is not present in population databases (gnomAD no frequency). This missense change has been observed in individual(s) with clinical features of developmental and epileptic encephalopathy (Invitae). In at least one individual the variant was observed to be de novo. ClinVar contains an entry for this variant (Variation ID: 934692). An algorithm developed to predict the effect of missense changes on protein structure and function (PolyPhen-2) suggests that this variant is likely to be disruptive. This variant disrupts the p.Met546 amino acid residue in KCNQ2. Other variant(s) that disrupt this residue have been determined to be pathogenic (PMID: 22275249, 24318194). This suggests that this residue is clinically significant, and that variants that disrupt this residue are likely to be disease-causing. For these reasons, this variant has been classified as Pathogenic.

Cytogénomique, Hospices Civils de Lyon
Classification: Likely pathogenic for Seizures. Last evaluated: 2024-05-24. Review status: criteria provided, single submitter. Criteria: ACMG Guidelines, 2015. Collection method: clinical testing. Allele origin: unknown. Affected: yes. Observed: 1 variant allele, 1 heterozygote.

Cytogénomique, Hospices Civils de Lyon
Classification: Likely pathogenic for Seizures, benign familial neonatal, 1. Review status: no assertion criteria provided. Collection method: clinical testing. Allele origin: maternal. Inheritance: Autosomal dominant inheritance. Affected: yes. Not counted in ClinVar's aggregate classification.

Literature cited by the submitters: PubMed 22275249 (cited by Labcorp Genetics (formerly Invitae), Labcorp); PubMed 24318194 (cited by Labcorp Genetics (formerly Invitae), Labcorp).

NM_172107.4(KCNQ2):c.1638G>A (p.Met546Ile)

Gene: KCNQ2 (potassium voltage-gated channel subfamily Q member 2; minus strand). Cytogenetic location: 20q13.33.
Variant type: single nucleotide variant.
Coding change: c.1638G>A on transcript NM_172107.4 (MANE Select); coding-DNA position 1638, G replaced by A.
Protein change: p.Met546Ile; replaces methionine 546 with isoleucine.
Molecular consequence: missense variant.
Genome position (GRCh38, 1-based): chr20:63,413,575, C>T on the plus strand (G>A on the coding strand, the complement: KCNQ2 is on the minus strand). VCF-style: chr20-63413575-C-T. GRCh37 (hg19) VCF-style: chr20-62044928-C-T.
Other names: c.1584G>A, p.Met528Ile (NM_001382235.1, NM_172106.3); c.1554G>A, p.Met518Ile (NM_004518.6); c.1545G>A, p.Met515Ile (NM_172108.5); short protein forms M518I, M515I, M528I, M546I.
Identifiers: ClinVar variation 934692 (VCV000934692.13), dbSNP rs2080191127, ClinGen allele CA409644070.